The following is an entry in ClinVar:

NM_005612.5(REST):c.425del (p.Pro142fs)

Gene: REST (RE1 silencing transcription factor; plus strand). Cytogenetic location: 4q12.
Variant type: Deletion.
Coding change: c.425del on transcript NM_005612.5 (MANE Select); coding-DNA position 425, one base deleted (C; older notation c.425delC).
Protein change: p.Pro142fs; shifts the reading frame from proline 142.
Molecular consequence: frameshift variant.
Genome position (GRCh38, 1-based): chr4:56,911,063, C deleted; the last of 5 consecutive C bases (chr4:56,911,059-56,911,063); deleting any one gives the same sequence. VCF-style (leftmost placement, unchanged base first): chr4-56911058-TC-T. GRCh37 (hg19) VCF-style: chr4-57777224-TC-T.
Other names: c.425delC, p.Pro142Leufs (NM_001193508.2, NM_001363453.3); short protein forms P142fs.
Identifiers: ClinVar variation 1423378 (VCV001423378.6), dbSNP rs2109523966, ClinGen allele CA2573138325.

ClinVar aggregate classification (germline): Pathogenic (1 of 4 stars; one submission).

Submission:

Labcorp Genetics (formerly Invitae), Labcorp
Classification: Pathogenic. Last evaluated: 2022-03-29. Review status: criteria provided, single submitter. Criteria: Invitae Variant Classification Sherloc (09022015). Collection method: clinical testing. Allele origin: germline.
Comment: For these reasons, this variant has been classified as Pathogenic. This variant has not been reported in the literature in individuals affected with REST-related conditions. This variant is not present in population databases (gnomAD no frequency). This sequence change creates a premature translational stop signal (p.Pro142Leufs*94) in the REST gene. It is expected to result in an absent or disrupted protein product. Loss-of-function variants in REST are known to be pathogenic (PMID: 26551668).

Literature cited by the submitters: PubMed 26551668.